The following is an entry in ClinVar:

NM_001035.3(RYR2):c.8515-1G>A

Gene: RYR2 (ryanodine receptor 2; plus strand). Cytogenetic location: 1q43.
Variant type: single nucleotide variant.
Coding change: c.8515-1G>A on transcript NM_001035.3 (MANE Select); the canonical splice acceptor site of the intron before coding-DNA position 8515, G replaced by A.
Molecular consequence: splice acceptor variant.
Genome position (GRCh38, 1-based): chr1:237,667,882, G>A. VCF-style: chr1-237667882-G-A. GRCh37 (hg19) VCF-style: chr1-237831182-G-A.
Identifiers: ClinVar variation 3670447 (VCV003670447.2).

ClinVar aggregate classification (germline): Uncertain significance (1 of 4 stars; one submission).

Conditions:
Catecholaminergic polymorphic ventricular tachycardia 1. Also called: VENTRICULAR TACHYCARDIA, CATECHOLAMINERGIC POLYMORPHIC, 1, WITH OR WITHOUT ATRIAL DYSFUNCTION AND/OR DILATED CARDIOMYOPATHY; VENTRICULAR TACHYCARDIA, STRESS-INDUCED POLYMORPHIC 1; RYR2-Related Catecholaminergic Polymorphic Ventricular Tachycardia. Identifiers: Orphanet 3286, MedGen C1631597, MONDO:0011484, OMIM 604772.

Submission:

Labcorp Genetics (formerly Invitae), Labcorp
Classification: Uncertain significance for Catecholaminergic polymorphic ventricular tachycardia 1. Last evaluated: 2024-02-04. Review status: criteria provided, single submitter. Criteria: Invitae Variant Classification Sherloc (09022015). Collection method: clinical testing. Allele origin: germline.
Comment: This sequence change affects an acceptor splice site in intron 57 of the RYR2 gene. It is expected to disrupt RNA splicing. Variants that disrupt the donor or acceptor splice site typically lead to a loss of protein function (PMID: 16199547), however the current clinical and genetic evidence is not sufficient to establish whether loss-of-function variants in RYR2 cause disease. This variant is not present in population databases (gnomAD no frequency). This variant has not been reported in the literature in individuals affected with RYR2-related conditions. Algorithms developed to predict the effect of sequence changes on RNA splicing suggest that this variant may disrupt the consensus splice site. In summary, the available evidence is currently insufficient to determine the role of this variant in disease. Therefore, it has been classified as a Variant of Uncertain Significance.

Literature cited by the submitters: PubMed 16199547.